The following is an entry in ClinVar:

ClinVar aggregate classification (germline): Likely benign. Review status: criteria provided, multiple submitters, no conflicts (2 of 4 stars). 3 submissions from 3 submitters: Likely benign (3). Last evaluated 2026-01-26.

Conditions:
Cardiovascular phenotype. Identifiers: MedGen CN230736.
Osteogenesis imperfecta type I (OI1). Also called: OI, TYPE I; OSTEOGENESIS IMPERFECTA TARDA; OSTEOGENESIS IMPERFECTA WITH BLUE SCLERAE; Lobstein's Disease; Classic Non-deforming Osteogenesis Imperfecta with Blue Sclerae; Lobstein disease. Identifiers: Orphanet 216796, Orphanet 666, MedGen C0023931, MONDO:0008146, OMIM 166200. Disease mechanism: loss of function.
Ehlers-Danlos syndrome, classic type, 1 (EDSCL1). Also called: Ehlers-Danlos Syndrome, Classic Type, COL5A1-Related; EDS I; Ehlers-Danlos syndrome, type 1; EHLERS-DANLOS SYNDROME, GRAVIS TYPE; EHLERS-DANLOS SYNDROME, SEVERE CLASSIC TYPE. Identifiers: MedGen C0268335, MONDO:0019567, OMIM 130000.

Allele frequency attached by ClinVar (database versions not stated): gnomAD 0.00002; gnomAD exomes 0.00004 and 0.00002; TOPMed 0.00001; ExAC 0.00004.
gnomAD v4.1: 31 of 1,612,070 alleles (0.0019%); highest among the groups gnomAD compares: Admixed American, 0.005%; no homozygotes.

Submissions (3):

Labcorp Genetics (formerly Invitae), Labcorp
Classification: Likely benign for Osteogenesis imperfecta type I; Ehlers-Danlos syndrome, classic type, 1. Last evaluated: 2026-01-26. Review status: criteria provided, single submitter. Criteria: Invitae Variant Classification Sherloc (09022015). Collection method: clinical testing. Allele origin: germline.

Ambry Genetics
Classification: Likely benign for Cardiovascular phenotype. Last evaluated: 2025-01-06. Review status: criteria provided, single submitter. Criteria: Ambry Variant Classification Scheme 2023. Collection method: clinical testing. Allele origin: germline.

GeneDx
Classification: Likely benign. Last evaluated: 2017-10-20. Review status: criteria provided, single submitter. Criteria: GeneDx Variant Classification (06012015). Collection method: clinical testing. Allele origin: germline. Affected: yes.
Comment: This variant is considered likely benign or benign based on one or more of the following criteria: it is a conservative change, it occurs at a poorly conserved position in the protein, it is predicted to be benign by multiple in silico algorithms, and/or has population frequency not consistent with disease.

NM_000089.4(COL1A2):c.1359T>C (p.Pro453=)

Gene: COL1A2 (collagen type I alpha 2 chain; plus strand). Cytogenetic location: 7q21.3.
Variant type: single nucleotide variant.
Coding change: c.1359T>C on transcript NM_000089.4 (MANE Select); coding-DNA position 1359, T replaced by C.
Protein change: p.Pro453=; no amino-acid change (proline 453 retained).
Molecular consequence: synonymous variant.
Genome position (GRCh38, 1-based): chr7:94,412,076, T>C. VCF-style: chr7-94412076-T-C. GRCh37 (hg19) VCF-style: chr7-94041388-T-C.
Identifiers: ClinVar variation 512920 (VCV000512920.7), dbSNP rs768981392, ClinGen allele CA4347023.